The following is an entry in ClinVar:

NM_021871.4(FGA):c.1324C>A (p.Leu442Ile)

Gene: FGA (fibrinogen alpha chain; minus strand). Cytogenetic location: 4q31.3.
Variant type: single nucleotide variant.
Coding change: c.1324C>A on transcript NM_021871.4 (MANE Select); coding-DNA position 1324, C replaced by A.
Protein change: p.Leu442Ile; replaces leucine 442 with isoleucine.
Molecular consequence: missense variant.
Genome position (GRCh38, 1-based): chr4:154,586,105, G>T on the plus strand (C>A on the coding strand, the complement: FGA is on the minus strand). VCF-style: chr4-154586105-G-T. GRCh37 (hg19) VCF-style: chr4-155507257-G-T.
Other names: c.1324C>A, p.Leu442Ile (NM_000508.5); short protein forms L442I.
Identifiers: ClinVar variation 3775770 (VCV003775770.1).
Genomic context (GRCh38, chr4:154,586,105, plus strand): 5'-AGCATGAACGACGCGTGGTGGTTGTGCTACCAGAGGTGACCTTCTCTTTACCAGTCCTGA[G>T]CTCTTTATCTCCTTTAGAAGTGACCAGTTTTTCTGTGTGGTACTCTCTCCTTGTCCCTGG-3'
Protein context (NP_068657.1, residues 432-452): KLVTSKGDKE[Leu442Ile]RTGKEKVTSG

ClinVar aggregate classification (germline): Uncertain significance (1 of 4 stars; one submission).

Conditions:
Familial dysfibrinogenemia. Also called: Dysfibrinogenemia, congenital. Identifiers: Orphanet 335, Orphanet 98881, MedGen C0272350, MONDO:0014452, OMIM 616004.

Submission:

3billion
Classification: Uncertain significance for Familial dysfibrinogenemia. Last evaluated: 2024-01-11. Review status: criteria provided, single submitter. Criteria: ACMG Guidelines, 2015. Collection method: clinical testing. Allele origin: germline. Affected: yes.
Comment: The variant is not observed in the gnomAD v2.1.1 dataset. Predicted Consequence/Location: Missense variant Prediction of the variant In silico tools to alter splicing and produce an abnormal transcript is uncertain [3Cnet: 0.15 (damaging >=0.6, benign <0.15)]. Therefore, this variant is classified as VUS according to the recommendation of ACMG/AMP guideline.